The following is an entry in ClinVar:

NM_000391.4(TPP1):c.1600C>T (p.Gln534Ter)

Gene: TPP1 (tripeptidyl peptidase 1; minus strand). Cytogenetic location: 11p15.4.
Variant type: single nucleotide variant.
Coding change: c.1600C>T on transcript NM_000391.4 (MANE Select); coding-DNA position 1600, C replaced by T.
Protein change: p.Gln534Ter; replaces glutamine 534 with a stop codon.
Molecular consequence: nonsense.
Genome position (GRCh38, 1-based): chr11:6,614,638, G>A on the plus strand (C>T on the coding strand, the complement: TPP1 is on the minus strand). VCF-style: chr11-6614638-G-A. GRCh37 (hg19) VCF-style: chr11-6635869-G-A.
Other names: short protein forms Q534*.
Identifiers: ClinVar variation 207596 (VCV000207596.10), dbSNP rs1554901472, ClinGen allele CA319218.

ClinVar aggregate classification (germline): Pathogenic. Review status: criteria provided, single submitter (1 of 4 stars). 2 submissions from 2 submitters: Pathogenic (1). 1 of the submissions does not count toward it. Last evaluated 2025-08-11.

Conditions:
Neuronal ceroid lipofuscinosis 2. Also called: JANSKY-BIELSCHOWSKY DISEASE NEURONAL CEROID LIPOFUSCINOSIS, LATE INFANTILE; TPP1-Related Neuronal Ceroid-Lipofuscinosis. Identifiers: Orphanet 168491, Orphanet 228349, Orphanet 79264, MedGen C1876161, MONDO:0008769, OMIM 204500.

Allele frequency attached by ClinVar (database versions not stated): gnomAD exomes below 0.00001; TOPMed 0.00001.
gnomAD v4.1: 1 of 1,614,132 alleles (0.000062%); highest among the groups gnomAD compares: African/African-American, 0.0013%; no homozygotes.

Submissions (2):

Labcorp Genetics (formerly Invitae), Labcorp
Classification: Pathogenic. Last evaluated: 2025-08-11. Review status: criteria provided, single submitter. Criteria: Invitae Variant Classification Sherloc (09022015). Collection method: clinical testing. Allele origin: germline.
Comment: This sequence change creates a premature translational stop signal (p.Gln534*) in the TPP1 gene. While this is not anticipated to result in nonsense mediated decay, it is expected to disrupt the last 30 amino acid(s) of the TPP1 protein. This variant is not present in population databases (gnomAD no frequency). This premature translational stop signal has been observed in individual(s) with epilepsy and neurodevelopmental disorders (PMID: 29655203). ClinVar contains an entry for this variant (Variation ID: 207596). This variant disrupts a region of the TPP1 protein in which other variant(s) (p.Trp542*) have been determined to be pathogenic (PMID: 31283065; internal data). This suggests that this is a clinically significant region of the protein, and that variants that disrupt it are likely to be disease-causing. For these reasons, this variant has been classified as Pathogenic.

Natera, Inc.
Classification: Pathogenic for Neuronal ceroid lipofuscinosis 2. Last evaluated: 2021-07-19. Review status: no assertion criteria provided. Collection method: clinical testing. Allele origin: germline. Not counted in ClinVar's aggregate classification.

Literature cited by the submitters: PubMed 29655203 (cited by Labcorp Genetics (formerly Invitae), Labcorp); PubMed 31283065 (cited by Labcorp Genetics (formerly Invitae), Labcorp).